The following is an entry in ClinVar:

NC_000015.9:g.(?_91295007)_(91295186_?)del

Gene: BLM (BLM RecQ like helicase; plus strand). Cytogenetic location: 15q26.1.
Variant type: Deletion.
Identifiers: ClinVar variation 1376491 (VCV001376491.7).

ClinVar aggregate classification (germline): Pathogenic (1 of 4 stars; one submission).

Conditions:
Bloom syndrome (BLM). Also called: Bloom-Torre-Machacek syndrome. Identifiers: Orphanet 125, MedGen C0005859, MONDO:0008876, OMIM 210900.

Submission:

Labcorp Genetics (formerly Invitae), Labcorp
Classification: Pathogenic for Bloom syndrome. Last evaluated: 2021-02-14. Review status: criteria provided, single submitter. Criteria: Invitae Variant Classification Sherloc (09022015). Collection method: clinical testing. Allele origin: germline.
Comment: For these reasons, this variant has been classified as Pathogenic. This variant has not been reported in the literature in individuals with BLM-related conditions. This variant is a gross deletion of the genomic region encompassing exon(s) 4 of the BLM gene. This deletion is out-of-frame, and is expected to create a premature translational stop signal and result in an absent or disrupted protein product. Loss-of-function variants in BLM are known to be pathogenic (PMID: 17407155).

Literature cited by the submitters: PubMed 17407155.